The following is an entry in ClinVar:

ClinVar aggregate classification (germline): Uncertain significance (1 of 4 stars; one submission).

Conditions:
Myopathy, tubular aggregate, 2 (TAM2). Identifiers: MedGen C4014557, MONDO:0014383, OMIM 615883.
Combined immunodeficiency due to ORAI1 deficiency. Also called: IMMUNODEFICIENCY 9. Identifiers: Orphanet 169090, Orphanet 317428, MedGen C2748568, MONDO:0013007, OMIM 612782.

Allele frequency attached by ClinVar (database versions not stated): gnomAD 0.00001.

Submission:

Labcorp Genetics (formerly Invitae), Labcorp
Classification: Uncertain significance for Myopathy, tubular aggregate, 2; Combined immunodeficiency due to ORAI1 deficiency. Last evaluated: 2021-06-12. Review status: criteria provided, single submitter. Criteria: Invitae Variant Classification Sherloc (09022015). Collection method: clinical testing. Allele origin: germline.
Comment: In summary, the available evidence is currently insufficient to determine the role of this variant in disease. Therefore, it has been classified as a Variant of Uncertain Significance. Experimental studies and prediction algorithms are not available or were not evaluated, and the functional significance of this variant is currently unknown. This variant has not been reported in the literature in individuals with ORAI1-related conditions. This variant is not present in population databases (ExAC no frequency). This sequence change replaces isoleucine with methionine at codon 56 of the ORAI1 protein (p.Ile56Met). The isoleucine residue is weakly conserved and there is a small physicochemical difference between isoleucine and methionine.

NC_000012.12:g.121626915C>G

Genes: ORAI1 (ORAI calcium release-activated calcium modulator 1; plus strand), LOC130008987 (ATAC-STARR-seq lymphoblastoid silent region 4981; plus strand). Cytogenetic location: 12q24.31.
Variant type: single nucleotide variant.
Genome position: GRCh38 VCF-style: chr12-121626915-C-G. GRCh37 (hg19) VCF-style: chr12-122064821-C-G.
Other names: c.168C>G, p.Ile56Met (NM_032790.4); short protein forms I56M.
Identifiers: ClinVar variation 1360412 (VCV001360412.6), dbSNP rs1892792431, ClinGen allele CA386980875.
Genomic context (GRCh38, chr12:121,626,915, plus strand): 5'-AGCCCCCGGGGGCCCCGCCCCGCCACCGCCGCCGTCCGCCGTCACCTACCCGGACTGGAT[C>G]GGCCAGAGTTACTCCGAGGTGATGAGCCTCAACGAGCACTCCATGCAGGCGCTGTCCTGG-3'